The following is an entry in ClinVar:

ClinVar aggregate classification (germline): Benign/Likely benign. Review status: criteria provided, multiple submitters, no conflicts (2 of 4 stars). 4 submissions from 4 submitters: Benign (1); Likely benign (3). Last evaluated 2024-09-18.

Conditions:
Hereditary cancer-predisposing syndrome. Also called: Hereditary neoplastic syndrome; Neoplastic Syndromes, Hereditary; Tumor predisposition; Hereditary Cancer Syndrome. Identifiers: Orphanet 140162, MedGen C0027672, MeSH D009386, MONDO:0015356.
Hereditary diffuse gastric adenocarcinoma (HDGC). Also called: DIFFUSE GASTRIC AND LOBULAR BREAST CANCER SYNDROME. Identifiers: Orphanet 26106, MedGen C1708349, MONDO:0007648, OMIM 137215.

gnomAD v4.1: 1 of 1,614,116 alleles (0.000062%); highest among the groups gnomAD compares: Non-Finnish European, 0.000085%; no homozygotes.

Submissions (4):

Myriad Genetics, Inc.
Classification: Benign for Hereditary diffuse gastric adenocarcinoma. Last evaluated: 2024-09-18. Review status: criteria provided, single submitter. Criteria: Myriad Autosomal Dominant, Autosomal Recessive and X-Linked Classification Criteria (2023). Collection method: clinical testing. Allele origin: unknown.
Comment: This variant is considered benign. This variant is a silent/synonymous amino acid change and it is not expected to impact splicing.

Labcorp Genetics (formerly Invitae), Labcorp
Classification: Likely benign for Hereditary diffuse gastric adenocarcinoma. Last evaluated: 2023-06-24. Review status: criteria provided, single submitter. Criteria: Invitae Variant Classification Sherloc (09022015). Collection method: clinical testing. Allele origin: germline.

Ambry Genetics
Classification: Likely benign for Hereditary cancer-predisposing syndrome. Last evaluated: 2021-08-21. Review status: criteria provided, single submitter. Criteria: Ambry Variant Classification Scheme 2023. Collection method: clinical testing. Allele origin: germline.

GeneDx
Classification: Likely benign. Last evaluated: 2020-12-04. Review status: criteria provided, single submitter. Criteria: GeneDx Variant Classification Process June 2021. Collection method: clinical testing. Allele origin: germline. Affected: yes.
Comment: This variant is associated with the following publications: (PMID: 30287823)

NM_004360.5(CDH1):c.1212C>T (p.Pro404=)

Gene: CDH1 (cadherin 1; plus strand). Cytogenetic location: 16q22.1.
Variant type: single nucleotide variant.
Coding change: c.1212C>T on transcript NM_004360.5 (MANE Select); coding-DNA position 1212, C replaced by T.
Protein change: p.Pro404=; no amino-acid change (proline 404 retained).
Molecular consequence: synonymous variant. On other transcripts: 5 prime UTR variant (2), intron variant (1).
Genome position (GRCh38, 1-based): chr16:68,813,387, C>T. VCF-style: chr16-68813387-C-T. GRCh37 (hg19) VCF-style: chr16-68847290-C-T.
Other names: c.-404C>T (NM_001317185.2); c.-608C>T (NM_001317186.2); c.1137+1124C>T (NM_001317184.2).
Identifiers: ClinVar variation 1207789 (VCV001207789.11), dbSNP rs2152133441, ClinGen allele CA496392718.